The following is an entry in ClinVar:

NM_018130.3(SHQ1):c.34C>T (p.Pro12Ser)

Gene: SHQ1 (SHQ1, H/ACA ribonucleoprotein assembly factor; minus strand). Cytogenetic location: 3p13.
Variant type: single nucleotide variant.
Coding change: c.34C>T on transcript NM_018130.3 (MANE Select); coding-DNA position 34, C replaced by T.
Protein change: p.Pro12Ser; replaces proline 12 with serine.
Molecular consequence: missense variant.
Genome position (GRCh38, 1-based): chr3:72,848,307, G>A on the plus strand (C>T on the coding strand, the complement: SHQ1 is on the minus strand). VCF-style: chr3-72848307-G-A. GRCh37 (hg19) VCF-style: chr3-72897458-G-A.
Other names: short protein forms P12S.
Identifiers: ClinVar variation 2506760 (VCV002506760.2), dbSNP rs759093041, ClinGen allele CA2492804.

ClinVar aggregate classification (germline): Uncertain significance. Review status: criteria provided, multiple submitters, no conflicts (2 of 4 stars). 2 submissions from 2 submitters: Uncertain significance (2). Last evaluated 2025-08-21.

gnomAD v4.1: 17 of 1,614,024 alleles (0.0011%); highest among the groups gnomAD compares: South Asian, 0.011%; no homozygotes.

Submissions (2):

Ambry Genetics
Classification: Uncertain significance. Last evaluated: 2025-08-21. Review status: criteria provided, single submitter. Criteria: Ambry Variant Classification Scheme 2023. Collection method: clinical testing. Allele origin: germline.

GeneDx
Classification: Uncertain significance. Last evaluated: 2022-12-25. Review status: criteria provided, single submitter. Criteria: GeneDx Variant Classification Process June 2021. Collection method: clinical testing. Allele origin: germline. Affected: yes.
Comment: In silico analysis supports that this missense variant does not alter protein structure/function; Has not been previously published as pathogenic or benign to our knowledge